The following is an entry in ClinVar:

NM_001267550.2(TTN):c.18869-15C>T

Genes: TTN (titin; minus strand), LOC126806430 (BRD4-independent group 4 enhancer GRCh37_chr2:179593794-179594993; plus strand). Cytogenetic location: 2q31.2.
Variant type: single nucleotide variant.
Coding change: c.18869-15C>T on transcript NM_001267550.2 (MANE Select); 15 bases into the intron before coding-DNA position 18869, C replaced by T.
Molecular consequence: intron variant.
Genome position (GRCh38, 1-based): chr2:178,729,184, G>A on the plus strand (C>T on the coding strand, the complement: TTN is on the minus strand). VCF-style: chr2-178729184-G-A. GRCh37 (hg19) VCF-style: chr2-179593911-G-A.
Other names: c.17918-15C>T (NM_001256850.1); c.13282+8898C>T (NM_003319.4); c.13858+8898C>T (NM_133437.4); c.13657+8898C>T (NM_133432.3); c.15137-15C>T (NM_133378.4).
Identifiers: ClinVar variation 510827 (VCV000510827.1), dbSNP rs749315046, ClinGen allele CA658796082.

ClinVar aggregate classification (germline): Likely benign (1 of 4 stars; one submission).

gnomAD v4.1: 1 of 1,558,400 alleles (0.000064%); highest among the groups gnomAD compares: Non-Finnish European, 0.000087%; no homozygotes.

Submission:

GeneDx
Classification: Likely benign. Last evaluated: 2017-07-11. Review status: criteria provided, single submitter. Criteria: GeneDx Variant Classification (06012015). Collection method: clinical testing. Allele origin: germline. Affected: yes.
Comment: This variant is considered likely benign or benign based on one or more of the following criteria: it is a conservative change, it occurs at a poorly conserved position in the protein, it is predicted to be benign by multiple in silico algorithms, and/or has population frequency not consistent with disease.